The following is an entry in ClinVar:

NM_001256789.3(CACNA1F):c.70C>T (p.Pro24Ser)

Gene: CACNA1F (calcium voltage-gated channel subunit alpha1 F; minus strand). Cytogenetic location: Xp11.23.
Variant type: single nucleotide variant.
Coding change: c.70C>T on transcript NM_001256789.3 (MANE Select); coding-DNA position 70, C replaced by T.
Protein change: p.Pro24Ser; replaces proline 24 with serine.
Molecular consequence: missense variant. On other transcripts: intron variant (1).
Genome position (GRCh38, 1-based): chrX:49,231,883, G>A on the plus strand (C>T on the coding strand, the complement: CACNA1F is on the minus strand). VCF-style: chrX-49231883-G-A. GRCh37 (hg19) VCF-style: chrX-49088345-G-A.
Other names: c.70C>T, p.Pro24Ser (NM_005183.4); c.66-191C>T (NM_001256790.3); short protein forms P24S.
Identifiers: ClinVar variation 1411079 (VCV001411079.6), dbSNP rs2147926564, ClinGen allele CA412928505.

ClinVar aggregate classification (germline): Uncertain significance (1 of 4 stars; one submission).

Submission:

Labcorp Genetics (formerly Invitae), Labcorp
Classification: Uncertain significance. Last evaluated: 2021-08-12. Review status: criteria provided, single submitter. Criteria: Invitae Variant Classification Sherloc (09022015). Collection method: clinical testing. Allele origin: germline.
Comment: In summary, the available evidence is currently insufficient to determine the role of this variant in disease. Therefore, it has been classified as a Variant of Uncertain Significance. Algorithms developed to predict the effect of missense changes on protein structure and function output the following: SIFT: "Tolerated"; PolyPhen-2: "Benign"; Align-GVGD: "Class C0". The serine amino acid residue is found in multiple mammalian species, which suggests that this missense change does not adversely affect protein function. This variant has not been reported in the literature in individuals affected with CACNA1F-related conditions. This variant is not present in population databases (ExAC no frequency). This sequence change replaces proline with serine at codon 24 of the CACNA1F protein (p.Pro24Ser). The proline residue is moderately conserved and there is a moderate physicochemical difference between proline and serine.